The following is an entry in ClinVar:

ClinVar aggregate classification (germline): Conflicting classifications of pathogenicity. Review status: criteria provided, conflicting classifications (1 of 4 stars). 2 submissions from 2 submitters: Uncertain significance (1); Likely benign (1). Last evaluated 2024-03-21.

Conditions:
Hereditary pancreatitis (PCTT). Also called: Hereditary chronic pancreatitis; PRSS1-Related Hereditary Pancreatitis. Identifiers: Orphanet 676, MedGen C0238339, MONDO:0008185, OMIM 167800.

gnomAD v4.1: 34 of 1,614,148 alleles (0.0021%); highest among the groups gnomAD compares: Non-Finnish European, 0.0028%; no homozygotes.

Submissions (2):

Ambry Genetics
Classification: Likely benign for Hereditary pancreatitis. Last evaluated: 2024-03-21. Review status: criteria provided, single submitter. Criteria: Ambry Variant Classification Scheme 2023. Collection method: clinical testing. Allele origin: germline.

Labcorp Genetics (formerly Invitae), Labcorp
Classification: Uncertain significance. Last evaluated: 2023-11-11. Review status: criteria provided, single submitter. Criteria: Invitae Variant Classification Sherloc (09022015). Collection method: clinical testing. Allele origin: germline.
Comment: This sequence change replaces glutamine, which is neutral and polar, with glutamic acid, which is acidic and polar, at codon 103 of the CPA1 protein (p.Gln103Glu). This variant is present in population databases (no rsID available, gnomAD 0.0009%). This variant has not been reported in the literature in individuals affected with CPA1-related conditions. ClinVar contains an entry for this variant (Variation ID: 1727347). Advanced modeling of protein sequence and biophysical properties (such as structural, functional, and spatial information, amino acid conservation, physicochemical variation, residue mobility, and thermodynamic stability) performed at Invitae indicates that this missense variant is not expected to disrupt CPA1 protein function with a negative predictive value of 80%. In summary, the available evidence is currently insufficient to determine the role of this variant in disease. Therefore, it has been classified as a Variant of Uncertain Significance.

NM_001868.4(CPA1):c.307C>G (p.Gln103Glu)

Gene: CPA1 (carboxypeptidase A1; plus strand). Cytogenetic location: 7q32.2.
Variant type: single nucleotide variant.
Coding change: c.307C>G on transcript NM_001868.4 (MANE Select); coding-DNA position 307, C replaced by G.
Protein change: p.Gln103Glu; replaces glutamine 103 with glutamic acid.
Molecular consequence: missense variant.
Genome position (GRCh38, 1-based): chr7:130,381,789, C>G. VCF-style: chr7-130381789-C-G. GRCh37 (hg19) VCF-style: chr7-130021630-C-G.
Other names: short protein forms Q103E.
Identifiers: ClinVar variation 1727347 (VCV001727347.6), dbSNP rs997840503, ClinGen allele CA166885456.
Genomic context (GRCh38, chr7:130,381,789, plus strand): 5'-GGCATCAGCTATGAGACCATGATCGAGGACGTGCAGTCGCTGCTGGACGAGGAGCAGGAG[C>G]AGATGTTCGCCTTCCGGTCCCGGGCGCGCTCCACCGACACTTTTAACTACGCCACCTACC-3'
Protein context (NP_001859.1, residues 93-113): VQSLLDEEQE[Gln103Glu]MFAFRSRARS